The following is an entry in ClinVar:

ClinVar aggregate classification (germline): Uncertain significance. Review status: criteria provided, multiple submitters, no conflicts (2 of 4 stars). 3 submissions from 3 submitters: Uncertain significance (3). Last evaluated 2025-05-31.

Conditions:
Hereditary cancer-predisposing syndrome. Also called: Hereditary neoplastic syndrome; Neoplastic Syndromes, Hereditary; Hereditary Cancer Syndrome; Tumor predisposition. Identifiers: Orphanet 140162, MedGen C0027672, MeSH D009386, MONDO:0015356.
Gastrointestinal stromal tumor. Also called: Gastrointestinal stromal tumor, somatic; Gastrointestinal stroma tumor. Identifiers: Orphanet 44890, MedGen C0238198, MeSH D046152, MONDO:0011719, OMIM 606764, HP:0100723.

Allele frequency attached by ClinVar (database versions not stated): gnomAD 0.00001; TOPMed 0.00001.
gnomAD v4.1: 5 of 1,613,806 alleles (0.00031%); highest among the groups gnomAD compares: Non-Finnish European, 0.00042%; no homozygotes.

Submissions (3):

Ambry Genetics
Classification: Uncertain significance for Hereditary cancer-predisposing syndrome. Last evaluated: 2025-05-31. Review status: criteria provided, single submitter. Criteria: Ambry Variant Classification Scheme 2023. Collection method: clinical testing. Allele origin: germline.
Comment: The p.A4V variant (also known as c.11C>T), located in coding exon 1 of the KIT gene, results from a C to T substitution at nucleotide position 11. The alanine at codon 4 is replaced by valine, an amino acid with similar properties. This amino acid position is highly conserved in available vertebrate species. In addition, this alteration is predicted to be tolerated by in silico analysis. Since supporting evidence is limited at this time, the clinical significance of this alteration remains unclear.

Labcorp Genetics (formerly Invitae), Labcorp
Classification: Uncertain significance for Gastrointestinal stromal tumor. Last evaluated: 2024-08-04. Review status: criteria provided, single submitter. Criteria: Invitae Variant Classification Sherloc (09022015). Collection method: clinical testing. Allele origin: germline.
Comment: This sequence change replaces alanine, which is neutral and non-polar, with valine, which is neutral and non-polar, at codon 4 of the KIT protein (p.Ala4Val). This variant is present in population databases (no rsID available, gnomAD 0.007%). This variant has not been reported in the literature in individuals affected with KIT-related conditions. ClinVar contains an entry for this variant (Variation ID: 940259). An algorithm developed to predict the effect of missense changes on protein structure and function (PolyPhen-2) suggests that this variant is likely to be disruptive. In summary, the available evidence is currently insufficient to determine the role of this variant in disease. Therefore, it has been classified as a Variant of Uncertain Significance.

GeneDx
Classification: Uncertain significance. Last evaluated: 2023-11-21. Review status: criteria provided, single submitter. Criteria: GeneDx Variant Classification Process June 2021. Collection method: clinical testing. Allele origin: germline. Affected: yes.
Comment: Not observed at significant frequency in large population cohorts (gnomAD); In silico analysis supports that this missense variant does not alter protein structure/function; Has not been previously published as pathogenic or benign to our knowledge

NM_000222.3(KIT):c.11C>T (p.Ala4Val)

Gene: KIT (KIT proto-oncogene, receptor tyrosine kinase; plus strand). Cytogenetic location: 4q12.
Variant type: single nucleotide variant.
Coding change: c.11C>T on transcript NM_000222.3 (MANE Select); coding-DNA position 11, C replaced by T.
Protein change: p.Ala4Val; replaces alanine 4 with valine.
Molecular consequence: missense variant.
Genome position (GRCh38, 1-based): chr4:54,658,025, C>T. VCF-style: chr4-54658025-C-T. GRCh37 (hg19) VCF-style: chr4-55524192-C-T.
Other names: c.11C>T, p.Ala4Val (NM_001093772.2, NM_001385284.1, NM_001385285.1 and 4 more transcripts); short protein forms A4V.
Identifiers: ClinVar variation 940259 (VCV000940259.15), dbSNP rs1423062466, ClinGen allele CA356897853.